The following is an entry in ClinVar:

ClinVar aggregate classification (germline): Pathogenic (0 of 4 stars; one submission).

Conditions:
Angelman syndrome (AS). Also called: HAPPY PUPPET SYNDROME. Identifiers: Orphanet 72, MedGen C0162635, MONDO:0007113, OMIM 105830. Disease mechanism: loss of function. Inheritance: AS is caused by disruption of maternally imprinted UBE3A located within the 15q11.2-q13 Angelman syndrome/Prader-Willi syndrome (AS/PWS) region., imprinting disorder.

Submission:

Baylor Genetics
Classification: Pathogenic for Angelman Syndrome. Last evaluated: 2014-02-14. Review status: no assertion criteria provided. Collection method: clinical testing. Allele origin: germline. Affected: yes. Observed: 1 variant allele. Study: UBE3A Mutation Study.
Comment: Data collected from clinical UBE3A sequence analysis results

Literature cited by the submitters: PubMed 25212744.

NM_130839.5(UBE3A):c.2162_2163insTATT (p.Lys721fs)

Genes: SNHG14 (small nucleolar RNA host gene 14; plus strand), UBE3A (ubiquitin protein ligase E3A; minus strand). Cytogenetic location: 15q11.2.
Variant type: Insertion.
Coding change: c.2162_2163insTATT on transcript NM_130839.5 (MANE Select); coding-DNA positions 2162 to 2163, TATT inserted.
Protein change: p.Lys721fs; shifts the reading frame from lysine 721.
Molecular consequence: frameshift variant. On other transcripts: non-coding transcript variant (1), intron variant (3).
Genome position: GRCh38 VCF-style: chr15-25354645-T-TAATA. GRCh37 (hg19) VCF-style: chr15-25599792-T-TAATA.
Other names: c.2171_2172insTATT, p.Lys724fs (NM_000462.5); c.2162_2163insTATT, p.Lys721fs (NM_001354505.1, NM_001354538.2); c.2102_2103insTATT, p.Lys701fs (NM_001354506.2, NM_001354507.2, NM_001354508.2 and 14 more transcripts); c.1985_1986insTATT, p.Lys662fs (NM_001354546.2); c.1937_1938insTATT, p.Lys646fs (NM_001354549.2); c.911_912insTATT, p.Lys304fs (NM_001354550.2); c.851_852insTATT, p.Lys284fs (NM_001354551.2); c.2065-220_2065-219insTATT (NM_001354548.2, NM_001354547.2); and 1 more; short protein forms K304fs, K721fs, K284fs, K646fs, K724fs, K662fs, K701fs.
Identifiers: ClinVar variation 155966 (VCV000155966.1), dbSNP rs587781215, ClinGen allele CA333337.